The following is an entry in ClinVar:

ClinVar aggregate classification (germline): Uncertain significance (1 of 4 stars; one submission).

Conditions:
Hereditary cancer-predisposing syndrome. Also called: Neoplastic Syndromes, Hereditary; Tumor predisposition; Hereditary Cancer Syndrome; Hereditary neoplastic syndrome. Identifiers: Orphanet 140162, MedGen C0027672, MeSH D009386, MONDO:0015356.

Submission:

Ambry Genetics
Classification: Uncertain significance for Hereditary cancer-predisposing syndrome. Last evaluated: 2026-01-03. Review status: criteria provided, single submitter. Criteria: Ambry Variant Classification Scheme 2023. Collection method: clinical testing. Allele origin: germline.
Comment: The p.G165V variant (also known as c.494G>T), located in coding exon 3 of the FLCN gene, results from a G to T substitution at nucleotide position 494. The glycine at codon 165 is replaced by valine, an amino acid with dissimilar properties. This amino acid position is conserved. In addition, this alteration is predicted to be deleterious by in silico analysis. Based on the available evidence, the clinical significance of this variant remains unclear.

NM_144997.7(FLCN):c.494G>T (p.Gly165Val)

Gene: FLCN (folliculin; minus strand). Cytogenetic location: 17p11.2.
Variant type: single nucleotide variant.
Coding change: c.494G>T on transcript NM_144997.7 (MANE Select); coding-DNA position 494, G replaced by T.
Protein change: p.Gly165Val; replaces glycine 165 with valine.
Molecular consequence: missense variant.
Genome position (GRCh38, 1-based): chr17:17,224,046, C>A on the plus strand (G>T on the coding strand, the complement: FLCN is on the minus strand). VCF-style: chr17-17224046-C-A. GRCh37 (hg19) VCF-style: chr17-17127360-C-A.
Other names: c.548G>T, p.Gly183Val (NM_001353229.2); c.494G>T, p.Gly165Val (NM_001353230.2, NM_001353231.2, NM_144606.7); short protein forms G165V, G183V.
Identifiers: ClinVar variation 4843156 (VCV004843156.1).